The following is an entry in ClinVar:

NM_001854.4(COL11A1):c.3817-5T>C

Gene: COL11A1 (collagen type XI alpha 1 chain; minus strand). Cytogenetic location: 1p21.1.
Variant type: single nucleotide variant.
Coding change: c.3817-5T>C on transcript NM_001854.4 (MANE Select); 5 bases into the intron before coding-DNA position 3817, T replaced by C.
Molecular consequence: intron variant.
Genome position (GRCh38, 1-based): chr1:102,914,816, A>G on the plus strand (T>C on the coding strand, the complement: COL11A1 is on the minus strand). VCF-style: chr1-102914816-A-G. GRCh37 (hg19) VCF-style: chr1-103380372-A-G.
Other names: c.3700-5T>C (NM_001190709.2); c.3853-5T>C (NM_080629.3); c.3469-5T>C (NM_080630.4).
Identifiers: ClinVar variation 516547 (VCV000516547.10), dbSNP rs201155391, ClinGen allele CA973802.

ClinVar aggregate classification (germline): Benign/Likely benign. Review status: criteria provided, multiple submitters, no conflicts (2 of 4 stars). 3 submissions from 3 submitters: Benign (2); Likely benign (1). Last evaluated 2025-12-19.

Allele frequency attached by ClinVar (database versions not stated): TOPMed 0.00012; ESP Exome Variant Server 0.00023; 1000 Genomes Project 30x 0.00047; 1000 Genomes Project 0.00060; ExAC 0.00397; gnomAD exomes 0.00401; gnomAD 0.00550 and 0.00566.
gnomAD v4.1: 2,136 of 1,521,170 alleles (0.14%); highest among the groups gnomAD compares: Non-Finnish European, 0.008%; 30 homozygotes.

Submissions (3):

Labcorp Genetics (formerly Invitae), Labcorp
Classification: Benign. Last evaluated: 2025-12-19. Review status: criteria provided, single submitter. Criteria: Invitae Variant Classification Sherloc (09022015). Collection method: clinical testing. Allele origin: germline.

Blueprint Genetics
Classification: Likely benign. Last evaluated: 2024-11-21. Review status: criteria provided, single submitter. Criteria: ACMG Guidelines, 2015. Collection method: clinical testing. Allele origin: germline.

GeneDx
Classification: Benign. Last evaluated: 2018-02-06. Review status: criteria provided, single submitter. Criteria: GeneDx Variant Classification (06012015). Collection method: clinical testing. Allele origin: germline. Affected: yes.
Comment: This variant is considered likely benign or benign based on one or more of the following criteria: it is a conservative change, it occurs at a poorly conserved position in the protein, it is predicted to be benign by multiple in silico algorithms, and/or has population frequency not consistent with disease.